The following is an entry in ClinVar:

NM_203446.3(SYNJ1):c.841G>C (p.Ala281Pro)

Gene: SYNJ1 (synaptojanin 1; minus strand). Cytogenetic location: 21q22.11.
Variant type: single nucleotide variant.
Coding change: c.841G>C on transcript NM_203446.3 (MANE Select); coding-DNA position 841, G replaced by C.
Protein change: p.Ala281Pro; replaces alanine 281 with proline.
Molecular consequence: missense variant.
Genome position (GRCh38, 1-based): chr21:32,688,316, C>G on the plus strand (G>C on the coding strand, the complement: SYNJ1 is on the minus strand). VCF-style: chr21-32688316-C-G. GRCh37 (hg19) VCF-style: chr21-34060626-C-G.
Other names: c.841G>C, p.Ala281Pro (NM_001160302.2, NM_001160306.2); c.958G>C, p.Ala320Pro (NM_003895.4); short protein forms A281P, A320P.
Identifiers: ClinVar variation 961375 (VCV000961375.10), dbSNP rs2041902084, ClinGen allele CA410094168.

ClinVar aggregate classification (germline): Uncertain significance (1 of 4 stars; one submission).

Conditions:
Early-onset Parkinson disease 20. Also called: PARKINSON DISEASE 20, AUTOSOMAL RECESSIVE EARLY-ONSET. Identifiers: Orphanet 391411, MedGen C3809824, MONDO:0014233, OMIM 615530.
Developmental and epileptic encephalopathy, 53. Also called: Epileptic encephalopathy, early infantile, 53. Identifiers: MedGen C4479313, MONDO:0033362, OMIM 617389.

Submission:

Labcorp Genetics (formerly Invitae), Labcorp
Classification: Uncertain significance for Developmental and epileptic encephalopathy, 53; Early-onset Parkinson disease 20. Last evaluated: 2020-07-08. Review status: criteria provided, single submitter. Criteria: Invitae Variant Classification Sherloc (09022015). Collection method: clinical testing. Allele origin: germline.
Comment: In summary, the available evidence is currently insufficient to determine the role of this variant in disease. Therefore, it has been classified as a Variant of Uncertain Significance. Algorithms developed to predict the effect of missense changes on protein structure and function (SIFT, PolyPhen-2, Align-GVGD) all suggest that this variant is likely to be disruptive, but these predictions have not been confirmed by published functional studies and their clinical significance is uncertain. This variant has not been reported in the literature in individuals with SYNJ1-related conditions. This variant is not present in population databases (ExAC no frequency). This sequence change replaces alanine with proline at codon 320 of the SYNJ1 protein (p.Ala320Pro). The alanine residue is highly conserved and there is a small physicochemical difference between alanine and proline.